The following is an entry in ClinVar:

NM_015662.3(IFT172):c.4364G>A (p.Arg1455Gln)

Gene: IFT172 (intraflagellar transport 172; minus strand). Cytogenetic location: 2p23.3.
Variant type: single nucleotide variant.
Coding change: c.4364G>A on transcript NM_015662.3 (MANE Select); coding-DNA position 4364, G replaced by A.
Protein change: p.Arg1455Gln; replaces arginine 1455 with glutamine.
Molecular consequence: missense variant.
Genome position (GRCh38, 1-based): chr2:27,448,979, C>T on the plus strand (G>A on the coding strand, the complement: IFT172 is on the minus strand). VCF-style: chr2-27448979-C-T. GRCh37 (hg19) VCF-style: chr2-27671846-C-T.
Other names: c.4364G>A (NM_015662.2); short protein forms R1455Q.
Identifiers: ClinVar variation 1373810 (VCV001373810.7), dbSNP rs747215055, ClinGen allele CA1579632.

ClinVar aggregate classification (germline): Uncertain significance. Review status: criteria provided, multiple submitters, no conflicts (2 of 4 stars). 3 submissions from 3 submitters: Uncertain significance (3). Last evaluated 2025-12-28.

Conditions:
Retinitis pigmentosa 71 (RP71). Identifiers: Orphanet 791, MedGen C4225342, MONDO:0014618, OMIM 616394.
Short-rib thoracic dysplasia 10 with or without polydactyly (SRTD10). Identifiers: Orphanet 474, MedGen C3810175, MONDO:0014284, OMIM 615630.
IFT172-related disorder. Also called: IFT172-related disorders; IFT172-related condition.
Bardet-Biedl syndrome 20. Identifiers: MedGen C4310707, MONDO:0023670, OMIM 619471, MONDO:0014926.

Allele frequency attached by ClinVar (database versions not stated): ExAC 0.00001; gnomAD 0.00002; gnomAD exomes 0.00003; TOPMed 0.00007.
gnomAD v4.1: 14 of 1,612,590 alleles (0.00087%); highest among the groups gnomAD compares: Admixed American, 0.0083%; no homozygotes.

Submissions (3):

PreventionGenetics, part of Exact Sciences
Classification: Uncertain significance for IFT172-related condition. Last evaluated: 2025-12-28. Review status: criteria provided, single submitter. Criteria: ACMG Guidelines, 2015. Collection method: clinical testing. Allele origin: germline.
Comment: The IFT172 c.4364G>A variant is predicted to result in the amino acid substitution p.Arg1455Gln. To our knowledge, this variant has not been reported in the literature. This variant is reported in 0.014% of alleles in individuals of Latino descent in gnomAD. At this time, the clinical significance of this variant is uncertain due to the absence of conclusive functional and genetic evidence.

Labcorp Genetics (formerly Invitae), Labcorp
Classification: Uncertain significance for Retinitis pigmentosa 71; Short-rib thoracic dysplasia 10 with or without polydactyly. Last evaluated: 2025-09-04. Review status: criteria provided, single submitter. Criteria: Invitae Variant Classification Sherloc (09022015). Collection method: clinical testing. Allele origin: germline.
Comment: This sequence change replaces arginine, which is basic and polar, with glutamine, which is neutral and polar, at codon 1455 of the IFT172 protein (p.Arg1455Gln). This variant is present in population databases (rs747215055, gnomAD 0.01%). This variant has not been reported in the literature in individuals affected with IFT172-related conditions. ClinVar contains an entry for this variant (Variation ID: 1373810). Invitae Evidence Modeling of protein sequence and biophysical properties (such as structural, functional, and spatial information, amino acid conservation, physicochemical variation, residue mobility, and thermodynamic stability) indicates that this missense variant is not expected to disrupt IFT172 protein function with a negative predictive value of 95%. In summary, the available evidence is currently insufficient to determine the role of this variant in disease. Therefore, it has been classified as a Variant of Uncertain Significance.

Fulgent Genetics
Classification: Uncertain significance for Short-rib thoracic dysplasia 10 with or without polydactyly; Retinitis pigmentosa 71; Bardet-Biedl syndrome 20. Last evaluated: 2024-03-08. Review status: criteria provided, single submitter. Criteria: ACMG Guidelines, 2015. Collection method: clinical testing. Allele origin: germline.